The following is an entry in ClinVar:

ClinVar aggregate classification (germline): Uncertain significance (1 of 4 stars; one submission).

Conditions:
Charcot-Marie-Tooth disease axonal type 2Z. Also called: CHARCOT-MARIE-TOOTH DISEASE, AXONAL, AUTOSOMAL DOMINANT, TYPE 2Z; CHARCOT-MARIE-TOOTH NEUROPATHY, TYPE 2Z. Identifiers: Orphanet 466768, MedGen C5569025, MONDO:0014736, OMIM 616688.

Submission:

Labcorp Genetics (formerly Invitae), Labcorp
Classification: Uncertain significance for Charcot-Marie-Tooth disease axonal type 2Z. Last evaluated: 2022-01-26. Review status: criteria provided, single submitter. Criteria: Invitae Variant Classification Sherloc (09022015). Collection method: clinical testing. Allele origin: germline.
Comment: In summary, the available evidence is currently insufficient to determine the role of this variant in disease. Therefore, it has been classified as a Variant of Uncertain Significance. Advanced modeling of protein sequence and biophysical properties (such as structural, functional, and spatial information, amino acid conservation, physicochemical variation, residue mobility, and thermodynamic stability) performed at Invitae indicates that this missense variant is expected to disrupt MORC2 protein function. This variant has not been reported in the literature in individuals affected with MORC2-related conditions. This variant is not present in population databases (gnomAD no frequency). This sequence change replaces glycine, which is neutral and non-polar, with glutamic acid, which is acidic and polar, at codon 112 of the MORC2 protein (p.Gly112Glu).

NM_001303256.3(MORC2):c.335G>A (p.Gly112Glu)

Gene: MORC2 (MORC family CW-type zinc finger 2; minus strand). Cytogenetic location: 22q12.2.
Variant type: single nucleotide variant.
Coding change: c.335G>A on transcript NM_001303256.3 (MANE Select); coding-DNA position 335, G replaced by A.
Protein change: p.Gly112Glu; replaces glycine 112 with glutamic acid.
Molecular consequence: missense variant.
Genome position (GRCh38, 1-based): chr22:30,946,432, C>T on the plus strand (G>A on the coding strand, the complement: MORC2 is on the minus strand). VCF-style: chr22-30946432-C-T. GRCh37 (hg19) VCF-style: chr22-31342419-C-T.
Other names: c.335G>A, p.Gly112Glu (NM_001303257.2); c.149G>A, p.Gly50Glu (NM_014941.3); short protein forms G112E, G50E.
Identifiers: ClinVar variation 1962532 (VCV001962532.5), dbSNP rs2517614411, ClinGen allele CA411244899.
Genomic context (GRCh38, chr22:30,946,432, plus strand): 5'-CGAGACAGGAAGAGGCAGGTCATGGTGTCTTCCTTCTTGGTGAACAGGATAAAATCCTTC[C>T]CAATGCGCATTGAGCCCCTGAAAAGGAAACAGAAATGGGTGTTATTCTCCCAGGAGTCAA-3'
Protein context (NP_001290185.1, residues 102-122): NGLKSGSMRI[Gly112Glu]KDFILFTKKE